The following is an entry in ClinVar:

NM_000368.5(TSC1):c.3455A>G (p.His1152Arg)

Gene: TSC1 (TSC complex subunit 1; minus strand). Cytogenetic location: 9q34.13.
Variant type: single nucleotide variant.
Coding change: c.3455A>G on transcript NM_000368.5 (MANE Select); coding-DNA position 3455, A replaced by G.
Protein change: p.His1152Arg; replaces histidine 1152 with arginine.
Molecular consequence: missense variant.
Genome position (GRCh38, 1-based): chr9:132,896,275, T>C on the plus strand (A>G on the coding strand, the complement: TSC1 is on the minus strand). VCF-style: chr9-132896275-T-C. GRCh37 (hg19) VCF-style: chr9-135771662-T-C.
Other names: c.3452A>G, p.His1151Arg (NM_001162426.2); c.3302A>G, p.His1101Arg (NM_001162427.2); c.3092A>G, p.His1031Arg (NM_001362177.2); short protein forms H1152R, H1151R, H1031R, H1101R.
Identifiers: ClinVar variation 534460 (VCV000534460.19), dbSNP rs1554812543, ClinGen allele CA375366342.

ClinVar aggregate classification (germline): Conflicting classifications of pathogenicity. Review status: criteria provided, conflicting classifications (1 of 4 stars). 6 submissions from 6 submitters: Uncertain significance (2); Benign (1); Likely benign (3). Last evaluated 2025-12-01.

Conditions:
Hereditary cancer-predisposing syndrome. Also called: Neoplastic Syndromes, Hereditary; Hereditary neoplastic syndrome; Tumor predisposition; Hereditary Cancer Syndrome. Identifiers: Orphanet 140162, MedGen C0027672, MeSH D009386, MONDO:0015356.
Tuberous sclerosis 1 (TSC1). Identifiers: Orphanet 805, MedGen C1854465, MONDO:0008612, OMIM 191100.
Isolated focal cortical dysplasia type II (FCORD2). Also called: CORTICAL DYSPLASIA OF TAYLOR; Focal cortical dysplasia type II. Identifiers: Orphanet 268994, MedGen C1846385, MONDO:0011818, OMIM 607341, HP:0032051.
Lymphangiomyomatosis (LAM). Also called: Lymphangioleiomyomatosis; Lymphangioleiomyomatosis, somatic. Identifiers: Orphanet 538, MedGen C0751674, MONDO:0011705, OMIM 606690.

Allele frequency attached by ClinVar (database versions not stated): gnomAD exomes 0.00001.
gnomAD v4.1: 12 of 1,614,190 alleles (0.00074%); highest among the groups gnomAD compares: African/African-American, 0.0013%; no homozygotes.

Submissions (6):

Labcorp Genetics (formerly Invitae), Labcorp
Classification: Benign for Tuberous sclerosis 1. Last evaluated: 2025-12-01. Review status: criteria provided, single submitter. Criteria: Invitae Variant Classification Sherloc (09022015). Collection method: clinical testing. Allele origin: germline.

Fulgent Genetics
Classification: Uncertain significance for Tuberous sclerosis 1; Lymphangiomyomatosis; Isolated focal cortical dysplasia type II. Last evaluated: 2024-03-01. Review status: criteria provided, single submitter. Criteria: ACMG Guidelines, 2015. Collection method: clinical testing. Allele origin: germline.

Sema4
Classification: Uncertain significance for Hereditary cancer-predisposing syndrome. Last evaluated: 2022-03-16. Review status: criteria provided, single submitter. Criteria: Sema4 Curation Guidelines. Collection method: curation. Allele origin: germline.
Comment: The TSC1 c.3455A>G (p.H1152R) variant has not been reported in the literature to our knowledge. This variant is not reported in the population database Genome Aggregation Database (PMID: 32461654). The variant has been reported in ClinVar (Variation ID: 534460). Functional studies have not been performed, and in silico predictions of the variant's effect on protein function are inconclusive. There is no indication that this variant causes disease, but the evidence is insufficient currently to prove that conclusively. Thus, the clinical significance of this variant is currently uncertain.

Genome-Nilou Lab
Classification: Likely benign for Tuberous sclerosis 1. Last evaluated: 2021-11-07. Review status: criteria provided, single submitter. Criteria: ACMG Guidelines, 2015. Collection method: clinical testing. Allele origin: germline. Affected: no.

GeneDx
Classification: Likely benign. Last evaluated: 2021-05-18. Review status: criteria provided, single submitter. Criteria: GeneDx Variant Classification Process June 2021. Collection method: clinical testing. Allele origin: germline. Affected: yes.

Ambry Genetics
Classification: Likely benign for Hereditary cancer-predisposing syndrome. Last evaluated: 2020-01-07. Review status: criteria provided, single submitter. Criteria: Ambry Variant Classification Scheme 2023. Collection method: clinical testing. Allele origin: germline.